The following is an entry in ClinVar:

ClinVar aggregate classification (germline): Uncertain significance (1 of 4 stars; one submission).

Conditions:
Luscan-Lumish syndrome. Identifiers: Orphanet 597738, MedGen C4085873, MONDO:0014791, OMIM 616831.

Submission:

Laboratory of Medical Genetics, National & Kapodistrian University of Athens
Classification: Uncertain significance for Luscan-Lumish syndrome. Last evaluated: 2021-09-28. Review status: criteria provided, single submitter. Criteria: ACMG Guidelines, 2015. Collection method: clinical testing. Allele origin: germline. Affected: yes.
Comment: PVS1, PM2, BP1

NM_014159.7(SETD2):c.6293G>C (p.Arg2098Thr)

Gene: SETD2 (SET domain containing 2, histone lysine methyltransferase; minus strand). Cytogenetic location: 3p21.31.
Variant type: single nucleotide variant.
Coding change: c.6293G>C on transcript NM_014159.7 (MANE Select); coding-DNA position 6293, G replaced by C.
Protein change: p.Arg2098Thr; replaces arginine 2098 with threonine.
Molecular consequence: missense variant. On other transcripts: non-coding transcript variant (1).
Genome position (GRCh38, 1-based): chr3:47,062,163, C>G on the plus strand (G>C on the coding strand, the complement: SETD2 is on the minus strand). VCF-style: chr3-47062163-C-G. GRCh37 (hg19) VCF-style: chr3-47103653-C-G.
Other names: c.6161G>C, p.Arg2054Thr (NM_001349370.3); short protein forms R2054T, R2098T.
Identifiers: ClinVar variation 1708072 (VCV001708072.1), dbSNP rs2107588443, ClinGen allele CA352523962.